The following is an entry in ClinVar:

ClinVar aggregate classification (germline): Uncertain significance (1 of 4 stars; one submission).

Allele frequency attached by ClinVar (database versions not stated): gnomAD exomes below 0.00001.
gnomAD v4.1: 7 of 1,614,012 alleles (0.00043%); highest among the groups gnomAD compares: Non-Finnish European, 0.00059%; no homozygotes.

Submission:

Ambry Genetics
Classification: Uncertain significance. Last evaluated: 2024-07-11. Review status: criteria provided, single submitter. Criteria: Ambry Variant Classification Scheme 2023. Collection method: clinical testing. Allele origin: germline.
Comment: The p.E645K variant (also known as c.1933G>A), located in coding exon 9 of the PALLD gene, results from a G to A substitution at nucleotide position 1933. The glutamic acid at codon 645 is replaced by lysine, an amino acid with similar properties. This amino acid position is conserved. In addition, this alteration is predicted to be tolerated by in silico analysis. Since supporting evidence is limited at this time, the clinical significance of this alteration remains unclear.

NM_001166108.2(PALLD):c.1933G>A (p.Glu645Lys)

Gene: PALLD (palladin, cytoskeletal associated protein; plus strand). Cytogenetic location: 4q32.3.
Variant type: single nucleotide variant.
Coding change: c.1933G>A on transcript NM_001166108.2 (MANE Select); coding-DNA position 1933, G replaced by A.
Protein change: p.Glu645Lys; replaces glutamic acid 645 with lysine.
Molecular consequence: missense variant.
Genome position (GRCh38, 1-based): chr4:168,711,892, G>A. VCF-style: chr4-168711892-G-A. GRCh37 (hg19) VCF-style: chr4-169633043-G-A.
Other names: c.787G>A, p.Glu263Lys (NM_001166109.2); c.1933G>A, p.Glu645Lys (NM_016081.4); short protein forms E263K, E645K.
Identifiers: ClinVar variation 1782922 (VCV001782922.3), dbSNP rs772888328, ClinGen allele CA110497325.
Genomic context (GRCh38, chr4:168,711,892, plus strand): 5'-GGCAAAGCTAACAGTAATAAATCTCTTCCAACACCAGCTGTCCTGCTTTCACCCACTAAG[G>A]AGCCACCACCTCTGCTTGCCAAACCAAAACTGTGAGTATTTCTGCATGGTTTTATAATAA-3'
Protein context (NP_001159580.1, residues 635-655): TPAVLLSPTK[Glu645Lys]PPPLLAKPKL